The following is an entry in ClinVar:

NM_130839.5(UBE3A):c.1261C>T (p.Arg421Ter)

Genes: SNHG14 (small nucleolar RNA host gene 14; plus strand), UBE3A (ubiquitin protein ligase E3A; minus strand). Cytogenetic location: 15q11.2.
Variant type: single nucleotide variant.
Coding change: c.1261C>T on transcript NM_130839.5 (MANE Select); coding-DNA position 1261, C replaced by T.
Protein change: p.Arg421Ter; replaces arginine 421 with a stop codon.
Molecular consequence: nonsense. On other transcripts: non-coding transcript variant (1), intron variant (2).
Genome position (GRCh38, 1-based): chr15:25,370,913, G>A on the plus strand (C>T on the coding strand, the complement: UBE3A is on the minus strand). VCF-style: chr15-25370913-G-A. GRCh37 (hg19) VCF-style: chr15-25616060-G-A.
Other names: c.1201C>T, p.Arg401Ter (NM_001354549.2, NM_001374461.1, NM_130838.4 and 17 more transcripts); c.301+4552C>T (NM_001354551.2); c.361+4552C>T (NM_001354550.2); c.1270C>T, p.Arg424Ter (NM_000462.5); c.1261C>T, p.Arg421Ter (NM_001354505.1, NM_001354538.2, NM_001354545.2); c.1084C>T, p.Arg362Ter (NM_001354546.2); short protein forms R401*, R362*, R421*, R424*.
Identifiers: ClinVar variation 155947 (VCV000155947.7), dbSNP rs587781196, ClinGen allele CA333306.
Genomic context (GRCh38, chr15:25,370,913, plus strand): 5'-TAAGTGGTTTTCGACAATCCAGGGTTTTAACACCAAGTTCAGTTTCCAGGGGGTCCACTC[G>A]AGGACCTTTCTTGTTTCTTCTTTCTTCTCCCAAAAGTTCCTGAAGTGTCAGCTCGCTGGA-3'

ClinVar aggregate classification (germline): Pathogenic. Review status: criteria provided, multiple submitters, no conflicts (2 of 4 stars). 3 submissions from 3 submitters: Pathogenic (2). 1 of the submissions does not count toward it. Last evaluated 2023-08-31.

Conditions:
Inborn genetic diseases. Identifiers: MedGen C0950123, MeSH D030342.
Angelman syndrome (AS). Also called: HAPPY PUPPET SYNDROME. Identifiers: Orphanet 72, MedGen C0162635, MONDO:0007113, OMIM 105830. Disease mechanism: loss of function. Inheritance: AS is caused by disruption of maternally imprinted UBE3A located within the 15q11.2-q13 Angelman syndrome/Prader-Willi syndrome (AS/PWS) region., imprinting disorder.

Submissions (3):

GeneDx
Classification: Pathogenic. Last evaluated: 2023-08-31. Review status: criteria provided, single submitter. Criteria: GeneDx Variant Classification Process June 2021. Collection method: clinical testing. Allele origin: germline. Affected: yes.
Comment: Identified in two patients with clinical features consistent with Angelman syndrome in the published literature (Sadikovic et al., 2014); Nonsense variant predicted to result in protein truncation or nonsense mediated decay in a gene for which loss of function is a known mechanism of disease; Not observed at significant frequency in large population cohorts (gnomAD); This variant is associated with the following publications: (PMID: 25794154, 25212744, 36011358)

Ambry Genetics
Classification: Pathogenic for Inborn genetic diseases. Last evaluated: 2016-10-26. Review status: criteria provided, single submitter. Criteria: Ambry exome assertion method (8-5-2015). Collection method: clinical testing. Allele origin: germline. Affected: yes. Observed: 1 variant allele.

Baylor Genetics
Classification: Pathogenic for Angelman Syndrome. Last evaluated: 2014-02-14. Review status: no assertion criteria provided. Collection method: clinical testing. Allele origin: germline. Affected: yes. Observed: 2 variant alleles. Study: UBE3A Mutation Study. Not counted in ClinVar's aggregate classification.
Comment: Data collected from clinical UBE3A sequence analysis results

Literature cited by the submitters: PubMed 25212744 (cited by Ambry Genetics and Baylor Genetics).